The following is an entry in ClinVar:

ClinVar aggregate classification (germline): Uncertain significance (1 of 4 stars; one submission).

gnomAD v4.1: 4 of 1,449,930 alleles (0.00028%); highest among the groups gnomAD compares: South Asian, 0.0011%; no homozygotes.

Submission:

GeneDx
Classification: Uncertain significance. Last evaluated: 2026-03-19. Review status: criteria provided, single submitter. Criteria: GeneDx Variant Classification Process June 2021. Collection method: clinical testing. Allele origin: germline.
Comment: Has not been previously published as pathogenic or benign to our knowledge; Alters the Kozak sequence, which plays a major role in the initiation of translation

NM_021956.5(GRIK2):c.-1C>T

Gene: GRIK2 (glutamate ionotropic receptor kainate type subunit 2; plus strand). Cytogenetic location: 6q16.3.
Variant type: single nucleotide variant.
Coding change: c.-1C>T on transcript NM_021956.5 (MANE Select); 1 bases upstream of the start codon, C replaced by T.
Molecular consequence: 5 prime UTR variant.
Genome position (GRCh38, 1-based): chr6:101,399,277, C>T. VCF-style: chr6-101399277-C-T. GRCh37 (hg19) VCF-style: chr6-101847153-C-T.
Other names: c.-1C>T (NM_001166247.1, NM_175768.3).
Identifiers: ClinVar variation 4975149 (VCV004975149.1).
Genomic context (GRCh38, chr6:101,399,277, plus strand): 5'-ACCCAGGAGCCGAACGCTAGATCGGGGAAGTGGGTGCCGTGCGTGTGGGCACAGAAACAC[C>T]ATGAAGATTATTTTCCCGATTCTAAGTAATCCAGTCTTCAGGCGCACCGTTAAACTCCTG-3'